The following is an entry in ClinVar:

NM_152419.3(HGSNAT):c.1128+3G>A

Gene: HGSNAT (heparan-alpha-glucosaminide N-acetyltransferase; plus strand). Cytogenetic location: 8p11.21.
Variant type: single nucleotide variant.
Coding change: c.1128+3G>A on transcript NM_152419.3 (MANE Select); 3 bases into the intron after coding-DNA position 1128, G replaced by A.
Molecular consequence: intron variant.
Genome position (GRCh38, 1-based): chr8:43,182,263, G>A. VCF-style: chr8-43182263-G-A. GRCh37 (hg19) VCF-style: chr8-43037406-G-A.
Other names: c.1128+3G>A (NM_001363227.2); c.264+3G>A (NM_001363229.2); c.936+3G>A (NM_001363228.2).
Identifiers: ClinVar variation 909561 (VCV000909561.5), dbSNP rs1401358094, ClinGen allele CA581929243.
Genomic context (GRCh38, chr8:43,182,263, plus strand): 5'-TGTGGTTGCTGTGTTGGAGCTCCTCTTTGCTAAACCTGTGCCTGAACATTGTGCCTCGGT[G>A]AGAAACCATGTTTTAATTAAGAAAAACTTTTTTTAAATTAAAAAAAATGTATTGTGTGGT-3'

ClinVar aggregate classification (germline): Uncertain significance. Review status: criteria provided, multiple submitters, no conflicts (2 of 4 stars). 2 submissions from 2 submitters: Uncertain significance (2). Last evaluated 2022-08-22.

Conditions:
Mucopolysaccharidosis, MPS-III-C (MPS3C). Also called: mucopolysaccharidosis type 3C; MUCOPOLYSACCHARIDOSIS, TYPE IIIC; SANFILIPPO SYNDROME C; MPS III C; Mucopolysaccharidosis type IIIC (Sanfilippo C); MPS IIIC (Sanfilippo Syndrome Type C). Identifiers: Orphanet 581, Orphanet 79271, MedGen C0086649, MONDO:0009657, OMIM 252930.
Retinitis pigmentosa 73 (RP73). Identifiers: Orphanet 791, MedGen C4225287, MONDO:0014687, OMIM 616544.

Allele frequency attached by ClinVar (database versions not stated): gnomAD exomes 0.00002; TOPMed 0.00001.
gnomAD v4.1: 11 of 1,607,094 alleles (0.00068%); highest among the groups gnomAD compares: East Asian, 0.022%; no homozygotes.

Submissions (2):

Labcorp Genetics (formerly Invitae), Labcorp
Classification: Uncertain significance for Retinitis pigmentosa 73; Mucopolysaccharidosis, MPS-III-C. Last evaluated: 2022-08-22. Review status: criteria provided, single submitter. Criteria: Invitae Variant Classification Sherloc (09022015). Collection method: clinical testing. Allele origin: germline.
Comment: This sequence change falls in intron 11 of the HGSNAT gene. It does not directly change the encoded amino acid sequence of the HGSNAT protein. It affects a nucleotide within the consensus splice site. This variant is present in population databases (no rsID available, gnomAD 0.02%). This variant has not been reported in the literature in individuals affected with HGSNAT-related conditions. ClinVar contains an entry for this variant (Variation ID: 909561). Variants that disrupt the consensus splice site are a relatively common cause of aberrant splicing (PMID: 17576681, 9536098). Algorithms developed to predict the effect of sequence changes on RNA splicing suggest that this variant is not likely to affect RNA splicing. In summary, the available evidence is currently insufficient to determine the role of this variant in disease. Therefore, it has been classified as a Variant of Uncertain Significance.

Illumina Laboratory Services, Illumina
Classification: Uncertain significance for Mucopolysaccharidosis, MPS-III-C. Last evaluated: 2018-01-13. Review status: criteria provided, single submitter. Criteria: ICSL Variant Classification Criteria 13 December 2019. Collection method: clinical testing. Allele origin: germline.

Literature cited by the submitters: PubMed 17576681 (cited by Labcorp Genetics (formerly Invitae), Labcorp); PubMed 9536098 (cited by Labcorp Genetics (formerly Invitae), Labcorp).